The following is an entry in ClinVar:

NM_001202.6(BMP4):c.76T>C (p.Leu26=)

Gene: BMP4 (bone morphogenetic protein 4; minus strand). Cytogenetic location: 14q22.2.
Variant type: single nucleotide variant.
Coding change: c.76T>C on transcript NM_001202.6 (MANE Select); coding-DNA position 76, T replaced by C.
Protein change: p.Leu26=; no amino-acid change (leucine 26 retained).
Molecular consequence: synonymous variant. On other transcripts: 5 prime UTR variant (3).
Genome position (GRCh38, 1-based): chr14:53,952,147, A>G on the plus strand (T>C on the coding strand, the complement: BMP4 is on the minus strand). VCF-style: chr14-53952147-A-G. GRCh37 (hg19) VCF-style: chr14-54418865-A-G.
Other names: c.217T>C, p.Leu73= (NM_001347912.1); c.-114T>C (NM_001347913.2, NM_001347915.2, NM_001347917.1); c.76T>C, p.Leu26= (NM_001347914.2, NM_001347916.1, NM_130850.5 and 1 more transcripts).
Identifiers: ClinVar variation 468357 (VCV000468357.46), dbSNP rs74486266, ClinGen allele CA7191841.

ClinVar aggregate classification (germline): Conflicting classifications of pathogenicity. Review status: criteria provided, conflicting classifications (1 of 4 stars). 10 submissions from 9 submitters: Uncertain significance (1); Benign (3); Likely benign (1). 5 of the submissions do not count toward it. Last evaluated 2026-01-24.

Conditions:
Orofacial cleft 11 (OFC11). Also called: Orofacial cleft 11; ofc11; CLEFT LIP WITH OR WITHOUT CLEFT PALATE, NONSYNDROMIC, 11. Identifiers: MedGen C2677434, MONDO:0010906, OMIM 600625.
Microphthalmia with brain and digit anomalies (MCOPS6). Also called: MICROPHTHALMIA AND PITUITARY ANOMALIES; Microphthalmia, syndromic 6. Identifiers: Orphanet 139471, MedGen C1864689, MONDO:0011936, OMIM 607932.

Allele frequency attached by ClinVar (database versions not stated): 1000 Genomes Project 0.00060; 1000 Genomes Project 30x 0.00062; gnomAD exomes 0.00162 and 0.00281; ExAC 0.00164; TOPMed 0.00178; gnomAD 0.00202 and 0.00205; ESP Exome Variant Server 0.00208.
gnomAD v4.1: 4,353 of 1,614,140 alleles (0.27%); highest among the groups gnomAD compares: Non-Finnish European, 0.35%; 7 homozygotes.

Submissions (10):

Labcorp Genetics (formerly Invitae), Labcorp
Classification: Benign for Microphthalmia with brain and digit anomalies; Orofacial cleft 11. Last evaluated: 2026-01-24. Review status: criteria provided, single submitter. Criteria: Invitae Variant Classification Sherloc (09022015). Collection method: clinical testing. Allele origin: germline.

CeGaT Center for Human Genetics Tuebingen
Classification: Benign. Last evaluated: 2025-11-01. Review status: criteria provided, single submitter. Criteria: CeGaT Center For Human Genetics Tuebingen Variant Classification Criteria Version 2. Collection method: clinical testing. Allele origin: germline. Affected: yes. Observed: 6 variant alleles.
Comment: BMP4: BS1, BS2

Blueprint Genetics
Classification: Likely benign. Last evaluated: 2024-11-18. Review status: criteria provided, single submitter. Criteria: ACMG Guidelines, 2015. Collection method: clinical testing. Allele origin: germline.

Illumina Laboratory Services, Illumina
Classification: Uncertain significance for Orofacial cleft 11. Last evaluated: 2017-04-27. Review status: criteria provided, single submitter. Criteria: ICSL Variant Classification Criteria 13 December 2019. Collection method: clinical testing. Allele origin: germline.
Comment: This variant was observed as part of a predisposition screen in an ostensibly healthy population. A literature search was performed for the gene, cDNA change, and amino acid change (where applicable). Publications were found based on this search. However, the evidence from the literature, in combination with allele frequency data from public databases where available, was not sufficient to rule this variant in or out of causing disease. Therefore, this variant is classified as a variant of unknown significance.

Illumina Laboratory Services, Illumina
Classification: Benign for Microphthalmia with brain and digit anomalies. Last evaluated: 2017-04-27. Review status: criteria provided, single submitter. Criteria: ICSL Variant Classification Criteria 13 December 2019. Collection method: clinical testing. Allele origin: germline.
Comment: This variant was observed as part of a predisposition screen in an ostensibly healthy population. A literature search was performed for the gene, cDNA change, and amino acid change (where applicable). Publications were found based on this search. The evidence from the literature, in combination with allele frequency data from public databases where available, was sufficient to rule this variant out of causing disease. Therefore, this variant is classified as benign.

Clinical Genetics DNA and cytogenetics Diagnostics Lab, Erasmus MC, Erasmus Medical Center
Classification: Likely benign. Review status: no assertion criteria provided. Collection method: clinical testing. Allele origin: germline. Affected: yes. Study: VKGL Data-share Consensus. Not counted in ClinVar's aggregate classification.

Clinical Genetics, Academic Medical Center
Classification: Benign. Review status: no assertion criteria provided. Collection method: clinical testing. Allele origin: germline. Affected: yes. Study: VKGL Data-share Consensus. Not counted in ClinVar's aggregate classification.

Diagnostic Laboratory, Department of Genetics, University Medical Center Groningen
Classification: Likely benign. Review status: no assertion criteria provided. Collection method: clinical testing. Allele origin: germline. Affected: yes. Study: VKGL Data-share Consensus. Not counted in ClinVar's aggregate classification.

Genome Diagnostics Laboratory, Amsterdam University Medical Center
Classification: Likely benign. Review status: no assertion criteria provided. Collection method: clinical testing. Allele origin: germline. Affected: yes. Study: VKGL Data-share Consensus. Not counted in ClinVar's aggregate classification.

Genome Diagnostics Laboratory, University Medical Center Utrecht
Classification: Likely benign. Review status: no assertion criteria provided. Collection method: clinical testing. Allele origin: germline. Affected: yes. Study: VKGL Data-share Consensus. Not counted in ClinVar's aggregate classification.

Literature cited by the submitters: PubMed 22052794 (cited by Illumina Laboratory Services, Illumina); PubMed 18252212 (cited by Illumina Laboratory Services, Illumina).